The following is an entry in ClinVar:

ClinVar aggregate classification (germline): Likely benign (1 of 4 stars; one submission).

Submission:

CeGaT Center for Human Genetics Tuebingen
Classification: Likely benign. Last evaluated: 2024-11-01. Review status: criteria provided, single submitter. Criteria: CeGaT Center For Human Genetics Tuebingen Variant Classification Criteria Version 2. Collection method: clinical testing. Allele origin: germline. Affected: yes. Observed: 1 variant allele.
Comment: RINT1: PM2:Supporting, BP4, BP7

NM_021930.6(RINT1):c.2364T>C (p.Pro788=)

Genes: EFCAB10 (EF-hand calcium binding domain 10; minus strand), RINT1 (RAD50 interactor 1; plus strand). Cytogenetic location: 7q22.3.
Variant type: single nucleotide variant.
Coding change: c.2364T>C on transcript NM_021930.6 (MANE Select); coding-DNA position 2364, T replaced by C.
Protein change: p.Pro788=; no amino-acid change (proline 788 retained).
Molecular consequence: synonymous variant. On other transcripts: 3 prime UTR variant (2), non-coding transcript variant (1), intron variant (3).
Genome position (GRCh38, 1-based): chr7:105,567,296, T>C. VCF-style: chr7-105567296-T-C. GRCh37 (hg19) VCF-style: chr7-105207743-T-C.
Other names: c.*158A>G (NM_001355527.2, NM_001355529.2); c.2130T>C, p.Pro710= (NM_001346599.2); c.1341T>C, p.Pro447= (NM_001346600.2, NM_001346603.2); c.1440T>C, p.Pro480= (NM_001346601.2); c.360-1849A>G (NM_001355531.2); c.383+171A>G (NM_001355526.2, NM_001355530.2).
Identifiers: ClinVar variation 3390088 (VCV003390088.14).